The following is an entry in ClinVar:

ClinVar aggregate classification (germline): Conflicting classifications of pathogenicity. Review status: criteria provided, conflicting classifications (1 of 4 stars). 4 submissions from 4 submitters: Uncertain significance (1); Likely benign (3). Last evaluated 2025-10-02.

Conditions:
Primary ciliary dyskinesia. Also called: Ciliary dyskinesia. Identifiers: Orphanet 244, MedGen C0008780, MONDO:0016575, HP:0012265.

Allele frequency attached by ClinVar (database versions not stated): gnomAD 0.00003 and 0.00005; gnomAD exomes 0.00005 and 0.00014; TOPMed 0.00005; ExAC 0.00017; 1000 Genomes Project 0.00020; 1000 Genomes Project 30x 0.00031.
gnomAD v4.1: 87 of 1,611,932 alleles (0.0054%); highest among the groups gnomAD compares: East Asian, 0.18%; no homozygotes.

Submissions (4):

Labcorp Genetics (formerly Invitae), Labcorp
Classification: Likely benign for Primary ciliary dyskinesia. Last evaluated: 2025-10-02. Review status: criteria provided, single submitter. Criteria: Invitae Variant Classification Sherloc (09022015). Collection method: clinical testing. Allele origin: germline.

Ambry Genetics
Classification: Likely benign for Primary ciliary dyskinesia. Last evaluated: 2025-06-11. Review status: criteria provided, single submitter. Criteria: Ambry Variant Classification Scheme 2023. Collection method: clinical testing. Allele origin: germline.

Blueprint Genetics
Classification: Likely benign. Last evaluated: 2023-02-24. Review status: criteria provided, single submitter. Criteria: ACMG Guidelines, 2015. Collection method: clinical testing. Allele origin: germline.

GeneDx
Classification: Uncertain significance. Last evaluated: 2017-05-30. Review status: criteria provided, single submitter. Criteria: GeneDx Variant Classification (06012015). Collection method: clinical testing. Allele origin: germline. Affected: yes.
Comment: The I1334V variant in the DNAH11 gene has not been reported previously as a pathogenic variant, nor as a benign variant, to our knowledge. The I1334V variant is observed in 21/8608 (0.2%) alleles from individuals of East Asian background, in the ExAC dataset (Lek et al., 2016). The I1334V variant is a conservative amino acid substitution, which is not likely to impact secondary protein structure as these residues share similar properties. This substitution occurs at a position that is not conserved. In silico analysis predicts this variant likely does not alter the protein structure/function. We interpret I1334V as a variant of uncertain significance.

NM_001277115.2(DNAH11):c.4000A>G (p.Ile1334Val)

Gene: DNAH11 (dynein axonemal heavy chain 11; plus strand). Cytogenetic location: 7p15.3.
Variant type: single nucleotide variant.
Coding change: c.4000A>G on transcript NM_001277115.2 (MANE Select); coding-DNA position 4000, A replaced by G.
Protein change: p.Ile1334Val; replaces isoleucine 1334 with valine.
Molecular consequence: missense variant.
Genome position (GRCh38, 1-based): chr7:21,615,261, A>G. VCF-style: chr7-21615261-A-G. GRCh37 (hg19) VCF-style: chr7-21654879-A-G.
Other names: short protein forms I1334V.
Identifiers: ClinVar variation 432277 (VCV000432277.7), dbSNP rs117965307, ClinGen allele CA4179836.